The following is an entry in ClinVar:

NM_016953.4(PDE11A):c.588G>T (p.Leu196=)

Gene: PDE11A (phosphodiesterase 11A; minus strand). Cytogenetic location: 2q31.2.
Variant type: single nucleotide variant.
Coding change: c.588G>T on transcript NM_016953.4 (MANE Select); coding-DNA position 588, G replaced by T.
Protein change: p.Leu196=; no amino-acid change (leucine 196 retained).
Molecular consequence: synonymous variant. On other transcripts: intron variant (1).
Genome position (GRCh38, 1-based): chr2:178,071,850, C>A on the plus strand (G>T on the coding strand, the complement: PDE11A is on the minus strand). VCF-style: chr2-178071850-C-A. GRCh37 (hg19) VCF-style: chr2-178936577-C-A.
Other names: c.162+32452G>T (NM_001077197.2).
Identifiers: ClinVar variation 3048461 (VCV003048461.2), dbSNP rs745688146, ClinGen allele CA1982232.
Genomic context (GRCh38, chr2:178,071,850, plus strand): 5'-AAGGTCATTGGAGATATCTTTGACCAATTCCAGAAAGAACTGACGCTCATTATGCTTTTT[C>A]AGATGGCACTTGTAGTCGATGGCTGTAGGGGGATACCGAGGCAGATTCACTCTCGATTCC-3'
Protein context (NP_058649.3, residues 186-206): PPTAIDYKCH[Leu196=]KKHNERQFFL

ClinVar aggregate classification (germline): Likely benign (0 of 4 stars; one submission).

Conditions:
PDE11A-related disorder. Also called: PDE11A-related condition.

Allele frequency attached by ClinVar (database versions not stated): gnomAD exomes 0.00001; TOPMed 0.00001; gnomAD 0.00002; ExAC 0.00003.
gnomAD v4.1: 16 of 1,613,974 alleles (0.00099%); highest among the groups gnomAD compares: Admixed American, 0.013%; no homozygotes.

Submission:

PreventionGenetics, part of Exact Sciences
Classification: Likely benign for PDE11A-related condition. Last evaluated: 2019-02-21. Review status: no assertion criteria provided. Collection method: clinical testing. Allele origin: germline.
Comment: This variant is classified as likely benign based on ACMG/AMP sequence variant interpretation guidelines (Richards et al. 2015 PMID: 25741868, with internal and published modifications).